The following is an entry in ClinVar:

NM_152703.5(SAMD9L):c.2892G>A (p.Met964Ile)

Gene: SAMD9L (sterile alpha motif domain containing 9 like; minus strand). Cytogenetic location: 7q21.2.
Variant type: single nucleotide variant.
Coding change: c.2892G>A on transcript NM_152703.5 (MANE Select); coding-DNA position 2892, G replaced by A.
Protein change: p.Met964Ile; replaces methionine 964 with isoleucine.
Molecular consequence: missense variant.
Genome position (GRCh38, 1-based): chr7:93,133,080, C>T on the plus strand (G>A on the coding strand, the complement: SAMD9L is on the minus strand). VCF-style: chr7-93133080-C-T. GRCh37 (hg19) VCF-style: chr7-92762393-C-T.
Other names: c.2892G>A, p.Met964Ile (NM_001303496.3, NM_001303497.3, NM_001303498.3 and 5 more transcripts); short protein forms M964I.
Identifiers: ClinVar variation 5028956 (VCV005028956.1).

ClinVar aggregate classification (germline): Uncertain significance (1 of 4 stars; one submission).

Conditions:
Inborn genetic diseases. Identifiers: MedGen C0950123, MeSH D030342.

Submission:

Ambry Genetics
Classification: Uncertain significance for Inborn genetic diseases. Last evaluated: 2026-08-16. Review status: criteria provided, single submitter. Criteria: Ambry Variant Classification Scheme 2023. Collection method: clinical testing. Allele origin: germline.
Comment: The p.M964I variant (also known as c.2892G>A), located in coding exon 1 of the SAMD9L gene, results from a G to A substitution at nucleotide position 2892. The methionine at codon 964 is replaced by isoleucine, an amino acid with highly similar properties. This amino acid position is conserved. In addition, this alteration is predicted to be tolerated by in silico analysis. Based on the available evidence, the clinical significance of this variant remains unclear.